The following is an entry in ClinVar:

ClinVar aggregate classification (germline): Uncertain significance. Review status: criteria provided, multiple submitters, no conflicts (2 of 4 stars). 3 submissions from 3 submitters: Uncertain significance (2). 1 of the submissions does not count toward it. Last evaluated 2022-11-30.

Conditions:
Inborn genetic diseases. Identifiers: MedGen C0950123, MeSH D030342.
TH-deficient dopa-responsive dystonia. Also called: DYT-TH; Tyrosine Hydroxylase-Deficient Dopa-Responsive Dystonia; Segawa syndrome, autosomal recessive. Identifiers: Orphanet 101150, MedGen C2673535, MONDO:0011551, OMIM 605407.

Allele frequency attached by ClinVar (database versions not stated): gnomAD exomes 0.00001 and 0.00003; TOPMed 0.00002; gnomAD 0.00001; ExAC 0.00002.
gnomAD v4.1: 21 of 1,613,406 alleles (0.0013%); highest among the groups gnomAD compares: Non-Finnish European, 0.0018%; no homozygotes.

Submissions (3):

Ambry Genetics
Classification: Uncertain significance for Inborn genetic diseases. Last evaluated: 2022-11-30. Review status: criteria provided, single submitter. Criteria: Ambry Variant Classification Scheme 2023. Collection method: clinical testing. Allele origin: germline.

Labcorp Genetics (formerly Invitae), Labcorp
Classification: Uncertain significance for TH-deficient dopa-responsive dystonia. Last evaluated: 2021-08-30. Review status: criteria provided, single submitter. Criteria: Invitae Variant Classification Sherloc (09022015). Collection method: clinical testing. Allele origin: germline.
Comment: This sequence change replaces aspartic acid with histidine at codon 219 of the TH protein (p.Asp219His). The aspartic acid residue is highly conserved and there is a moderate physicochemical difference between aspartic acid and histidine. This variant is present in population databases (rs757849221, ExAC 0.003%). This variant has not been reported in the literature in individuals affected with TH-related conditions. Algorithms developed to predict the effect of missense changes on protein structure and function (SIFT, PolyPhen-2, Align-GVGD) all suggest that this variant is likely to be disruptive. In summary, the available evidence is currently insufficient to determine the role of this variant in disease. Therefore, it has been classified as a Variant of Uncertain Significance.

Natera, Inc.
Classification: Uncertain significance for Autosomal recessive Segawa syndrome. Last evaluated: 2019-11-11. Review status: no assertion criteria provided. Collection method: clinical testing. Allele origin: germline. Not counted in ClinVar's aggregate classification.

NM_000360.4(TH):c.562G>C (p.Asp188His)

Gene: TH (tyrosine hydroxylase; minus strand). Cytogenetic location: 11p15.5.
Variant type: single nucleotide variant.
Coding change: c.562G>C on transcript NM_000360.4 (MANE Select); coding-DNA position 562, G replaced by C.
Protein change: p.Asp188His; replaces aspartic acid 188 with histidine.
Molecular consequence: missense variant.
Genome position (GRCh38, 1-based): chr11:2,168,105, C>G on the plus strand (G>C on the coding strand, the complement: TH is on the minus strand). VCF-style: chr11-2168105-C-G. GRCh37 (hg19) VCF-style: chr11-2189335-C-G.
Other names: c.655G>C, p.Asp219His (NM_199292.3); c.643G>C, p.Asp215His (NM_199293.3); short protein forms D219H, D215H, D188H.
Identifiers: ClinVar variation 526216 (VCV000526216.5), dbSNP rs757849221, ClinGen allele CA5818620.